The following is an entry in ClinVar:

NM_015378.4(VPS13D):c.8983C>T (p.Arg2995Ter)

Gene: VPS13D (vacuolar protein sorting 13 homolog D; plus strand). Cytogenetic location: 1p36.22.
Variant type: single nucleotide variant.
Coding change: c.8983C>T on transcript NM_015378.4 (MANE Select); coding-DNA position 8983, C replaced by T.
Protein change: p.Arg2995Ter; replaces arginine 2995 with a stop codon.
Molecular consequence: nonsense.
Genome position (GRCh38, 1-based): chr1:12,345,471, C>T. VCF-style: chr1-12345471-C-T. GRCh37 (hg19) VCF-style: chr1-12405528-C-T.
Other names: c.8908C>T, p.Arg2970Ter (NM_018156.4); short protein forms R2970*, R2995*.
Identifiers: ClinVar variation 1687497 (VCV001687497.1), dbSNP rs202180923, ClinGen allele CA603292.

ClinVar aggregate classification (germline): Likely pathogenic (1 of 4 stars; one submission).

Conditions:
Autosomal recessive cerebellar ataxia-saccadic intrusion syndrome. Also called: SPINOCEREBELLAR ATAXIA 24; VPS13D Movement Disorder. Identifiers: Orphanet 95434, MedGen C1846492, MONDO:0011811, OMIM 607317.

Allele frequency attached by ClinVar (database versions not stated): gnomAD exomes below 0.00001; ExAC 0.00001; gnomAD 0.00001; 1000 Genomes Project 30x 0.00016; 1000 Genomes Project 0.00020.
gnomAD v4.1: 3 of 1,613,636 alleles (0.00019%); highest among the groups gnomAD compares: East Asian, 0.0022%; no homozygotes.

Submission:

3billion
Classification: Likely pathogenic for Autosomal recessive cerebellar ataxia-saccadic intrusion syndrome. Last evaluated: 2022-05-22. Review status: criteria provided, single submitter. Criteria: ACMG Guidelines, 2015. Collection method: clinical testing. Allele origin: germline. Affected: yes. Observed: 1 heterozygote.
Comment: The variant is observed at an extremely low frequency in the gnomAD v2.1.1 dataset (total allele frequency: <0.001%). Stop-gained (nonsense): predicted to result in a loss or disruption of normal protein function through nonsense-mediated decay (NMD) or protein truncation. Multiple pathogenic variants are reported downstream of the variant. Therefore, this variant is classified as likely pathogenic according to the recommendation of ACMG/AMP guideline.